The following is an entry in ClinVar:

NM_018129.4(PNPO):c.598G>A (p.Val200Met)

Gene: PNPO (pyridoxamine 5'-phosphate oxidase; plus strand). Cytogenetic location: 17q21.32.
Variant type: single nucleotide variant.
Coding change: c.598G>A on transcript NM_018129.4 (MANE Select); coding-DNA position 598, G replaced by A.
Protein change: p.Val200Met; replaces valine 200 with methionine.
Molecular consequence: missense variant.
Genome position (GRCh38, 1-based): chr17:47,946,374, G>A. VCF-style: chr17-47946374-G-A. GRCh37 (hg19) VCF-style: chr17-46023740-G-A.
Other names: short protein forms V200M.
Identifiers: ClinVar variation 432824 (VCV000432824.2), dbSNP rs1192912615, ClinGen allele CA400061535.
Genomic context (GRCh38, chr17:47,946,374, plus strand): 5'-CCTGGACAGTATCTGAGAAAGAAAAATGAGGAACTGGAACAGCTCTACCAGGATCAAGAG[G>A]TGCCCAAGCCAAAATCCTGGTGAGTGACATCTGGTAGTCCTCTAGAAAGGGACACCAGGC-3'
Protein context (NP_060599.1, residues 190-210): ELEQLYQDQE[Val200Met]PKPKSWGGYV

ClinVar aggregate classification (germline): Uncertain significance (1 of 4 stars; one submission).

Allele frequency attached by ClinVar (database versions not stated): gnomAD exomes below 0.00001; gnomAD 0.00001.
gnomAD v4.1: 3 of 1,613,248 alleles (0.00019%); highest among the groups gnomAD compares: East Asian, 0.0045%; no homozygotes.

Submission:

GeneDx
Classification: Uncertain significance. Last evaluated: 2017-06-16. Review status: criteria provided, single submitter. Criteria: GeneDx Variant Classification (06012015). Collection method: clinical testing. Allele origin: germline. Affected: yes.
Comment: A variant of uncertain significance has been identified in the PNPO gene. The V200M variant has not been published as a pathogenic variant, nor has it been reported as a benign variant to our knowledge. The V200M variant is not observed in large population cohorts (Lek et al., 2016; 1000 Genomes Consortium et al., 2015; Exome Variant Server). The V200M variant is a conservative amino acid substitution, which is not likely to impact secondary protein structure as these residues share similar properties. This substitution occurs at a position where amino acids with similar properties to Valine are tolerated across species. However, in silico analysis is inconsistent in its predictions as to whether or not the variant is damaging to the protein structure/function. Therefore, based on the currently available information, it is unclear whether this variant is a pathogenic variant or a rare benign variant.